The following is an entry in ClinVar:

NM_000532.5(PCCB):c.1283_1284del (p.Thr428fs)

Gene: PCCB (propionyl-CoA carboxylase subunit beta; plus strand). Cytogenetic location: 3q22.3.
Variant type: Microsatellite.
Coding change: c.1283_1284del on transcript NM_000532.5 (MANE Select); coding-DNA positions 1283 to 1284, 2 bases deleted (CA; older notation c.1283_1284delCA).
Protein change: p.Thr428fs; shifts the reading frame from threonine 428.
Molecular consequence: frameshift variant.
Genome position (GRCh38, 1-based): chr3:136,327,239-136,327,240, CA deleted; deleting any 2 consecutive bases within chr3:136,327,237-136,327,240 gives the same sequence; the c. name uses the placement nearest the transcript's 3' end. VCF-style (leftmost placement, unchanged base first): chr3-136327236-TCA-T. GRCh37 (hg19) VCF-style: chr3-136046078-TCA-T.
Other names: c.1283_1284delCA (NM_000532.4); c.1343_1344del, p.Thr448fs (NM_001178014.2); short protein forms T428fs, T448fs.
Identifiers: ClinVar variation 1364257 (VCV001364257.8), dbSNP rs775583360, ClinGen allele CA2632118.

ClinVar aggregate classification (germline): Pathogenic/Likely pathogenic. Review status: criteria provided, multiple submitters, no conflicts (2 of 4 stars). 3 submissions from 3 submitters: Pathogenic (2); Likely pathogenic (1). Last evaluated 2024-06-18.

Conditions:
Propionic acidemia (PROP). Also called: HYPERGLYCINEMIA WITH KETOACIDOSIS AND LEUKOPENIA; KETOTIC HYPERGLYCINEMIA; GLYCINEMIA, KETOTIC. Identifiers: Orphanet 35, MedGen C0268579, MONDO:0011628, OMIM 606054, HP:0003571.

Submissions (3):

Fulgent Genetics
Classification: Likely pathogenic for Propionic acidemia. Last evaluated: 2024-06-18. Review status: criteria provided, single submitter. Criteria: ACMG Guidelines, 2015. Collection method: clinical testing. Allele origin: germline.

Natera, Inc.
Classification: Pathogenic for Propionic acidemia. Last evaluated: 2024-04-23. Review status: criteria provided, single submitter. Criteria: Natera Variant Classification Schema (03/2026). Collection method: clinical testing. Allele origin: germline.
Comment: The c.1283_1284delCA variant in PCCB is a frameshift variant predicted to shift the reading frame beginning at codon 428 and leads to a stop codon 12 codons downstream. This variant is expected to result in nonsense mediated decay, truncation, or a dysfunctional protein product. This variant is rare in the general population with a frequency below the threshold expected for the associated phenotype(s). This variant has been observed in one or more individuals affected with the associated recessive disease, as either homozygous or compound heterozygous with a second variant (PMID: 33123633). Given the available evidence, this variant is classified as Pathogenic.

Labcorp Genetics (formerly Invitae), Labcorp
Classification: Pathogenic for Propionic acidemia. Last evaluated: 2023-07-31. Review status: criteria provided, single submitter. Criteria: Invitae Variant Classification Sherloc (09022015). Collection method: clinical testing. Allele origin: germline.
Comment: This variant has not been reported in the literature in individuals affected with PCCB-related conditions. This variant is present in population databases (rs775583360, gnomAD 0.004%). This sequence change creates a premature translational stop signal (p.Thr428Serfs*12) in the PCCB gene. It is expected to result in an absent or disrupted protein product. Loss-of-function variants in PCCB are known to be pathogenic (PMID: 15464417). For these reasons, this variant has been classified as Pathogenic.

Literature cited by the submitters: PubMed 33123633 (cited by Natera, Inc.); PubMed 15464417 (cited by Labcorp Genetics (formerly Invitae), Labcorp).